The following is an entry in ClinVar:

ClinVar aggregate classification (germline): Uncertain significance. Review status: criteria provided, multiple submitters, no conflicts (2 of 4 stars). 2 submissions from 2 submitters: Uncertain significance (2). Last evaluated 2023-09-11.

Conditions:
Hereditary nonpolyposis colorectal neoplasms. Identifiers: MedGen C0009405, MeSH D003123.
Hereditary cancer-predisposing syndrome. Also called: Hereditary neoplastic syndrome; Hereditary Cancer Syndrome; Tumor predisposition; Neoplastic Syndromes, Hereditary. Identifiers: Orphanet 140162, MedGen C0027672, MeSH D009386, MONDO:0015356.

Submissions (2):

Ambry Genetics
Classification: Uncertain significance for Hereditary cancer-predisposing syndrome. Last evaluated: 2023-09-11. Review status: criteria provided, single submitter. Criteria: Ambry Variant Classification Scheme 2023. Collection method: clinical testing. Allele origin: germline.
Comment: The p.M1156I variant (also known as c.3468G>T), located in coding exon 6 of the MSH6 gene, results from a G to T substitution at nucleotide position 3468. The methionine at codon 1156 is replaced by isoleucine, an amino acid with highly similar properties. This amino acid position is conserved. In addition, the in silico prediction for this alteration is inconclusive. Since supporting evidence is limited at this time, the clinical significance of this alteration remains unclear.

Labcorp Genetics (formerly Invitae), Labcorp
Classification: Uncertain significance for Hereditary nonpolyposis colorectal neoplasms. Last evaluated: 2022-06-13. Review status: criteria provided, single submitter. Criteria: Invitae Variant Classification Sherloc (09022015). Collection method: clinical testing. Allele origin: germline.
Comment: This sequence change replaces methionine, which is neutral and non-polar, with isoleucine, which is neutral and non-polar, at codon 1156 of the MSH6 protein (p.Met1156Ile). This variant is not present in population databases (gnomAD no frequency). This variant has not been reported in the literature in individuals affected with MSH6-related conditions. Advanced modeling of protein sequence and biophysical properties (such as structural, functional, and spatial information, amino acid conservation, physicochemical variation, residue mobility, and thermodynamic stability) performed at Invitae indicates that this missense variant is not expected to disrupt MSH6 protein function. In summary, the available evidence is currently insufficient to determine the role of this variant in disease. Therefore, it has been classified as a Variant of Uncertain Significance.

NM_000179.3(MSH6):c.3468G>T (p.Met1156Ile)

Gene: MSH6 (mutS homolog 6; plus strand). Cytogenetic location: 2p16.3.
Variant type: single nucleotide variant.
Coding change: c.3468G>T on transcript NM_000179.3 (MANE Select); coding-DNA position 3468, G replaced by T.
Protein change: p.Met1156Ile; replaces methionine 1156 with isoleucine.
Molecular consequence: missense variant.
Genome position (GRCh38, 1-based): chr2:47,804,939, G>T. VCF-style: chr2-47804939-G-T. GRCh37 (hg19) VCF-style: chr2-48032078-G-T.
Other names: c.3078G>T, p.Met1026Ile (NM_001281492.2); c.2562G>T, p.Met854Ile (NM_001281493.2, NM_001281494.2, NM_001406811.1 and 6 more transcripts); c.3564G>T, p.Met1188Ile (NM_001406795.1, NM_001406802.1); c.3468G>T, p.Met1156Ile (NM_001406796.1, NM_001406800.1, NM_001406808.1 and 1 more transcripts); c.3171G>T, p.Met1057Ile (NM_001406797.1, NM_001406801.1, NM_001406805.1 and 10 more transcripts); c.3294G>T, p.Met1098Ile (NM_001406798.1); c.2943G>T, p.Met981Ile (NM_001406799.1, NM_001406806.1, NM_001406807.1); c.2604G>T, p.Met868Ile (NM_001406803.1); and 7 more; short protein forms M1026I, M1188I, M471I, M634I, M83I, M868I, M105I, M1098I.
Identifiers: ClinVar variation 2005484 (VCV002005484.3), dbSNP rs876658980, ClinGen allele CA346760074.